The following is an entry in ClinVar:

ClinVar aggregate classification (germline): Uncertain significance (1 of 4 stars; one submission).

Conditions:
Vici syndrome (VICIS). Identifiers: Orphanet 1493, MedGen C1855772, MONDO:0009452, OMIM 242840.

Allele frequency attached by ClinVar (database versions not stated): gnomAD 0.00001.
gnomAD v4.1: 6 of 1,608,926 alleles (0.00037%); highest among the groups gnomAD compares: Non-Finnish European, 0.00017%; no homozygotes.

Submission:

Labcorp Genetics (formerly Invitae), Labcorp
Classification: Uncertain significance for Vici syndrome. Last evaluated: 2024-10-28. Review status: criteria provided, single submitter. Criteria: Invitae Variant Classification Sherloc (09022015). Collection method: clinical testing. Allele origin: germline.
Comment: This sequence change replaces glycine, which is neutral and non-polar, with aspartic acid, which is acidic and polar, at codon 702 of the EPG5 protein (p.Gly702Asp). This variant is not present in population databases (gnomAD no frequency). This variant has not been reported in the literature in individuals affected with EPG5-related conditions. ClinVar contains an entry for this variant (Variation ID: 1903124). Invitae Evidence Modeling of protein sequence and biophysical properties (such as structural, functional, and spatial information, amino acid conservation, physicochemical variation, residue mobility, and thermodynamic stability) indicates that this missense variant is expected to disrupt EPG5 protein function with a positive predictive value of 80%. In summary, the available evidence is currently insufficient to determine the role of this variant in disease. Therefore, it has been classified as a Variant of Uncertain Significance.

NM_020964.3(EPG5):c.2105G>A (p.Gly702Asp)

Gene: EPG5 (ectopic P-granules 5 autophagy tethering factor; minus strand). Cytogenetic location: 18q21.1.
Variant type: single nucleotide variant.
Coding change: c.2105G>A on transcript NM_020964.3 (MANE Select); coding-DNA position 2105, G replaced by A.
Protein change: p.Gly702Asp; replaces glycine 702 with aspartic acid.
Molecular consequence: missense variant.
Genome position (GRCh38, 1-based): chr18:45,934,961, C>T on the plus strand (G>A on the coding strand, the complement: EPG5 is on the minus strand). VCF-style: chr18-45934961-C-T. GRCh37 (hg19) VCF-style: chr18-43514927-C-T.
Other names: c.2105G>A, p.Gly702Asp (NM_001410858.1, NM_001410859.1); short protein forms G702D.
Identifiers: ClinVar variation 1903124 (VCV001903124.3), dbSNP rs775030892, ClinGen allele CA402347844.
Genomic context (GRCh38, chr18:45,934,961, plus strand): 5'-TTCCACAGCATTTGCACAGACAGAGTCCCAAAGGGCATCTCGGACATAAACAGCCAAATG[C>T]CAAGTCTGCATGTAAGCAGGAATCATTTTATTTATTAATCAGCTTCATTACACTAAGAAA-3'
Protein context (NP_066015.2, residues 692-712): VLHVLKAKRL[Gly702Asp]IWLFMSEMPF